The following is an entry in ClinVar:

NC_012920.1(MT-RNR1):m.1555A>G

Genes: MT-ND1 (mitochondrially encoded NADH dehydrogenase 1; plus strand), MT-RNR1 (mitochondrially encoded 12S RNA; plus strand), RNR1 (RNA, ribosomal 45S cluster 1).
Variant type: single nucleotide variant.
Genome position: chrM-1555-A-G.
Other names: A1555G; 1555A-G.
Identifiers: ClinVar variation 9628 (VCV000009628.28), dbSNP rs267606617, ClinGen allele CA120590.

ClinVar aggregate classification (germline): Pathogenic; drug response. Review status: reviewed by expert panel (3 of 4 stars). 28 submissions from 20 submitters: Pathogenic (1). 21 of the submissions do not count toward it. Last evaluated 2022-12-15.

Conditions:
Aminoglycoside induced ototoxicity.
Aminoglycoside Ototoxicity.
Primary Mitochondrial Disorders. Identifiers: MedGen CN381104.
Rare genetic deafness. Identifiers: Orphanet 96210, MedGen C5680250.
Aminoglycoside-induced deafness. Also called: MT-RNR1-Related Hearing Loss and Deafness; STREPTOMYCIN OTOTOXICITY; DEAFNESS, STREPTOMYCIN-INDUCED. Identifiers: Orphanet 168609, MedGen C1838854, MONDO:0010799, OMIM 580000.
Mitochondrial non-syndromic sensorineural hearing loss. Also called: Nonsyndromic Hearing Loss and Deafness, Mitochondrial. Identifiers: Orphanet 90641, MedGen C3151897, MONDO:0010779, OMIM 500008.
Hearing loss, sensorineural, autosomal-mitochondrial type. Also called: Deafness, sensorineural, autosomal-mitochondrial type. Identifiers: Orphanet 90641, MedGen C1857332, MONDO:0009090, OMIM 221745.
Mitochondrial disease. Also called: Mitochondrial disorders; Mitochondrial disorder. Identifiers: Orphanet 68380, MedGen C0751651, MeSH D028361, MONDO:0044970.
Restrictive cardiomyopathy. Identifiers: Orphanet 217632, MedGen C0007196, MeSH D002313, MONDO:0005201, HP:0001723.
Gentamicin response. Also called: Gentamicin sulfate response; Garamycin response; Cidomycin response; Septopal response. Identifiers: MedGen CN184225.
kanamycin response - Toxicity.
streptomycin response - Toxicity.
tobramycin response - Toxicity.
gentamicin response - Toxicity.
amikacin response - Toxicity.
aminoglycoside antibacterials response - Toxicity.

Submissions 1 to 10 of 28:

ClinGen Mitochondrial Disease Nuclear and Mitochondrial  Variant Curation Expert Panel, ClinGen
Classification: Pathogenic for Mitochondrial disease. Last evaluated: 2022-12-15. Review status: reviewed by expert panel. Criteria: McCormick et al. (Hum Mutat. 2020). Collection method: curation. Allele origin: germline. Inheritance: Mitochondrial inheritance.
Comment: The m.1555A>G variant in MT-RNR1 has been reported in more than 65 individuals with primary mitochondrial disease, and the only consistent reported feature in affected individuals was hearing loss (PS4; PMIDs: 7689389, 1613771, 8285309, 8414970, 9111378, 9040738, 9490575, 9831149, 10661905, 12031626, 12920080, 16935512, 20123042, 22317974, 23357420, 24252789, 11870684). Some individuals with this variant have normal hearing, others have hearing loss following aminoglycoside exposure, and others have hearing loss and no known aminoglycoside exposure. Age of onset of hearing loss ranged from infancy (after aminoglycoside exposure) to adulthood. Hearing loss has been reported to be variable, stable in some individuals and progressive in others. Several reports of individuals receiving cochlear implants had good outcomes (PMIDs: 9831149, 16935512, 24252789). While most affected individuals have this variant present at homoplasmy, there have been some reports of heteroplasmic occurrences in those with hearing loss. There are isolated reports of individuals with this variant having other medical concerns, however there is not sufficient evidence currently that this variant was causative of these other concerns. These concerns include chronic progressive external ophthalmoplegia and myopathy (PMID: 11870684), cardiomyopathy (PMIDs: 28104394, 24252789), neural tube defect (PMID: 10661905), hypertension (PMID: 22317974), type 2 diabetes (PMID: 23357420), Parkinson disease (abstract only, Shoffner et al., 1996), autism spectrum disorder and intellectual disability (PMID: 29340697), and Leigh syndrome (PMID: 32867169). There are no de novo occurrences of this variant reported to our knowledge. Many extended families have been reported in the medical literature however the variant was present at homoplasmy in both affected and unaffected family members, thus preventing consideration for PP1. The computational predictor HmtVAR predicts it to be pathogenic score of 1 (PP3). This variant is present in the healthy population, which is to be expected given the known reduced penetrance of this variant. Several studies in patient cells (PMIDs: 8817331, 9915970), cybrids (PMIDs: 8687424, 11230176), and single fiber testing (PMID: 9915970) support the functional impact of this variant (PS3_moderate). This variant meets criteria to be classified as likely pathogenic however this Expert Panel elected to modify the classification to pathogenic given the overwhelming evidence of pathogenicity. Furthermore, the mitochondrial DNA variant specifications are known to not be optimized for pathogenic variants that tend to be homoplasmic in nature and/or have reduced penetrance. This classification was approved by the NICHD/NINDS U24 ClinGen Mitochondrial Disease Variant Curation Expert Panel on December 15, 2022. Mitochondrial DNA-specific ACMG/AMP criteria applied (PMID: 32906214): PS4, PP3, PS3_supporting.

ClinPGx
Classification: drug response for aminoglycoside antibacterials response - Toxicity. Last evaluated: 2021-06-15. Review status: reviewed by expert panel. Criteria: Pharmacogenomics knowledge for personalized medicine. Collection method: curation. Allele origin: germline. Affected: yes.
Comment: PharmGKB Level of Evidence 1A: Level 1A clinical annotations describe variant-drug combinations that have variant-specific prescribing guidance available in a current clinical guideline annotation or an FDA-approved drug label annotation. Annotations of drug labels or clinical guidelines must give prescribing guidance for specific variants (e.g. CYP2C9*3, HLA-B*57:01) or provide mapping from defined allele functions to diplotypes and phenotypes to be used as supporting evidence for a level 1A clinical annotation. Level 1A clinical annotations must also be supported by at least one publication in addition to a clinical guideline or drug label with variant-specific prescribing guidance.

Drug is not necessarily used to treat response condition

ClinPGx
Classification: drug response for gentamicin response - Toxicity. Last evaluated: 2021-06-15. Review status: reviewed by expert panel. Criteria: Pharmacogenomics knowledge for personalized medicine. Collection method: curation. Allele origin: germline. Affected: yes.
Comment: the same text as in the submission from ClinPGx above.

ClinPGx
Classification: drug response for amikacin response - Toxicity. Last evaluated: 2021-06-15. Review status: reviewed by expert panel. Criteria: Pharmacogenomics knowledge for personalized medicine. Collection method: curation. Allele origin: germline. Affected: yes.
Comment: the same text as in the submission from ClinPGx above.

ClinPGx
Classification: drug response for kanamycin response - Toxicity. Last evaluated: 2021-06-15. Review status: reviewed by expert panel. Criteria: Pharmacogenomics knowledge for personalized medicine. Collection method: curation. Allele origin: germline. Affected: yes.
Comment: the same text as in the submission from ClinPGx above.

ClinPGx
Classification: drug response for streptomycin response - Toxicity. Last evaluated: 2021-06-15. Review status: reviewed by expert panel. Criteria: Pharmacogenomics knowledge for personalized medicine. Collection method: curation. Allele origin: germline. Affected: yes.
Comment: the same text as in the submission from ClinPGx above.

ClinPGx
Classification: drug response for tobramycin response - Toxicity. Last evaluated: 2021-06-15. Review status: reviewed by expert panel. Criteria: Pharmacogenomics knowledge for personalized medicine. Collection method: curation. Allele origin: germline. Affected: yes.
Comment: the same text as in the submission from ClinPGx above.

OLLIN Analises Genomicas, OLLIN
Classification: Pathogenic for Mitochondrial non-syndromic sensorineural hearing loss. Last evaluated: 2026-08-06. Review status: criteria provided, single submitter. Criteria: ACMG Guidelines 2015 PMID 25741868. Collection method: clinical testing. Allele origin: germline. Not counted in ClinVar's aggregate classification.
Comment: This variant, located in exon 1 (of 1), has been observed in gnomAD with an allele frequency of 0.13%, reported in ClinVar (ID: 9628) and in the scientific literature in individuals with RNR1 related disorders (PMID: 7689389, 1613771, 8285309, 8414970, 9111378, 9040738, 9490575, 9831149, 10661905, 12031626, 12920080, 16935512, 20123042, 22317974, 23357420, 24252789, 11870684). Functional studies suggest that this variant may affect protein function. According to the currently available evidence, this variant has been classified as pathogenic (PS3_M, PS4, PP3).

Genetics and Molecular Pathology, SA Pathology
Classification: Pathogenic for Mitochondrial non-syndromic sensorineural hearing loss. Last evaluated: 2026-02-06. Review status: criteria provided, single submitter. Criteria: ACMG Guidelines, 2015. Collection method: clinical testing. Allele origin: germline. Not counted in ClinVar's aggregate classification.
Comment: The MT-RNR1: m.1555A>G variant is classified as PATHOGENIC (PS4, PP3, PS3_moderate) by the ClinGen Mitochondrial Disease Nuclear and Mitochondrial Variant Curation Expert Panel (ClinGen ID: CA120590; approved on 15/12/2022) and has ClinVar entry as Pathogenic by multiple submitters (Variation ID: 9628). Clinical Pharmacogenetics Implementation Consortium (CPIC) has guideline for recommended therapeutic use of aminoglycosides in relations to MT-RNR1 phenotype in children and adults (PMID: 34032273). This variant was detected in a genomic screening context.

Variantyx, Inc.
Classification: Pathogenic for primary mitochondrial disorders. Last evaluated: 2026-01-16. Review status: criteria provided, single submitter. Criteria: Variantyx Assertion Criteria 2022. Collection method: clinical testing. Allele origin: germline. Inheritance: Mitochondrial inheritance. Not counted in ClinVar's aggregate classification.
Comment: The m.1555A>G change is a variant in the MT-RNR1 gene which encodes mitochondrial ribosomal RNA. Pathogenic variants in this gene have been associated with primary mitochondrial disorders. This variant has been reported in several unrelated affected individuals (PMID: 8973709, 10854117, 11857751, 24533451, 19818876) (PS4). Functional studies show a deleterious effect for this variant (PMID: 11230176, 8687424) (PS3) and other reputable laboratories have reported this variant as pathogenic or likely pathogenic, and this classification has been validated by an expert panel in ClinVar (PP5). It has a 0.1117% homoplasmic allele frequency in control populations. Based on the current evidence, this variant is classified as pathogenic for primary mitochondrial disorders.